The following is an entry in ClinVar:

NM_001352754.2(ARMC9):c.761C>T (p.Ala254Val)

Gene: ARMC9 (armadillo repeat containing 9; plus strand). Cytogenetic location: 2q37.1.
Variant type: single nucleotide variant.
Coding change: c.761C>T on transcript NM_001352754.2 (MANE Select); coding-DNA position 761, C replaced by T.
Protein change: p.Ala254Val; replaces alanine 254 with valine.
Molecular consequence: missense variant. On other transcripts: non-coding transcript variant (1).
Genome position (GRCh38, 1-based): chr2:231,235,362, C>T. VCF-style: chr2-231235362-C-T. GRCh37 (hg19) VCF-style: chr2-232100075-C-T.
Other names: c.761C>T, p.Ala254Val (NM_001271466.4, NM_001291656.2, NM_001352755.2 and 5 more transcripts); short protein forms A254V.
Identifiers: ClinVar variation 1996447 (VCV001996447.4), dbSNP rs759497137, ClinGen allele CA350951323.
Genomic context (GRCh38, chr2:231,235,362, plus strand): 5'-TCCAGGCCGACTACCACAATCTCATTGGAGTCACAGCAGAGCTGGTGGATTCTCTAGAGG[C>T]CACAGTCAGCGGCAAGATGGTAAGGAAGATCCCTAATTGTGTGTATGTCTGTTTGGCAAT-3'
Protein context (NP_001339683.2, residues 244-264): VTAELVDSLE[Ala254Val]TVSGKMITPE

ClinVar aggregate classification (germline): Uncertain significance (1 of 4 stars; one submission).

gnomAD v4.1: 1 of 1,614,040 alleles (0.000062%); highest among the groups gnomAD compares: African/African-American, 0.0013%; no homozygotes.

Submission:

Labcorp Genetics (formerly Invitae), Labcorp
Classification: Uncertain significance. Last evaluated: 2022-10-25. Review status: criteria provided, single submitter. Criteria: Invitae Variant Classification Sherloc (09022015). Collection method: clinical testing. Allele origin: germline.
Comment: This sequence change replaces alanine, which is neutral and non-polar, with valine, which is neutral and non-polar, at codon 254 of the ARMC9 protein (p.Ala254Val). This variant is not present in population databases (gnomAD no frequency). This variant has not been reported in the literature in individuals affected with ARMC9-related conditions. Experimental studies and prediction algorithms are not available or were not evaluated, and the functional significance of this variant is currently unknown. In summary, the available evidence is currently insufficient to determine the role of this variant in disease. Therefore, it has been classified as a Variant of Uncertain Significance.